The following is an entry in ClinVar:

ClinVar aggregate classification (germline): Uncertain significance (1 of 4 stars; one submission).

Allele frequency attached by ClinVar (database versions not stated): gnomAD exomes below 0.00001.
gnomAD v4.1: 1 of 1,609,034 alleles (0.000062%); highest among the groups gnomAD compares: Non-Finnish European, 0.000085%; no homozygotes.

Submission:

GeneDx
Classification: Uncertain significance. Last evaluated: 2022-09-12. Review status: criteria provided, single submitter. Criteria: GeneDx Variant Classification Process June 2021. Collection method: clinical testing. Allele origin: germline. Affected: yes.
Comment: Not observed at significant frequency in large population cohorts (gnomAD); In silico analysis supports that this missense variant has a deleterious effect on protein structure/function; Has not been previously published as pathogenic or benign to our knowledge

NM_017780.4(CHD7):c.7519C>T (p.Pro2507Ser)

Gene: CHD7 (chromodomain helicase DNA binding protein 7; plus strand). Cytogenetic location: 8q12.2.
Variant type: single nucleotide variant.
Coding change: c.7519C>T on transcript NM_017780.4 (MANE Select); coding-DNA position 7519, C replaced by T.
Protein change: p.Pro2507Ser; replaces proline 2507 with serine.
Molecular consequence: missense variant. On other transcripts: intron variant (1).
Genome position (GRCh38, 1-based): chr8:60,856,799, C>T. VCF-style: chr8-60856799-C-T. GRCh37 (hg19) VCF-style: chr8-61769358-C-T.
Other names: c.1717-5430C>T (NM_001316690.1); short protein forms P2507S.
Identifiers: ClinVar variation 2443450 (VCV002443450.1), dbSNP rs2488077943, ClinGen allele CA371302195.